The following is an entry in ClinVar:

NM_001184880.2(PCDH19):c.1440del (p.Asp481fs)

Gene: PCDH19 (protocadherin 19; minus strand). Cytogenetic location: Xq22.1.
Variant type: Deletion.
Coding change: c.1440del on transcript NM_001184880.2 (MANE Select); coding-DNA position 1440, one base deleted (C; older notation c.1440delC).
Protein change: p.Asp481fs; shifts the reading frame from aspartic acid 481.
Molecular consequence: frameshift variant.
Genome position (GRCh38, 1-based): chrX:100,407,158, G deleted on the plus strand (C on the coding strand, the reverse complement: PCDH19 is on the minus strand); the first of 4 consecutive G bases (chrX:100,407,158-100,407,161); deleting any one gives the same sequence. VCF-style (leftmost placement, unchanged base first): chrX-100407157-CG-C. GRCh37 (hg19) VCF-style: chrX-99662155-CG-C.
Other names: c.1440del, p.Asp481fs (NM_001105243.2, NM_020766.3); short protein forms D481fs.
Identifiers: ClinVar variation 1412894 (VCV001412894.6), dbSNP rs2147538759, ClinGen allele CA2573159038.
Genomic context (GRCh38, chrX:100,407,157, plus strand): 5'-GCATGTCCCGCACCTGCGACGGCACGATCTGGTAGGAGACACTGCCGTTGAGACCCAGGT[CG>C]GGGTCGCGAGCAGACACAGAGAGCAGATAGGCGCCAGGCGTGTTGTTCTCCTGCACAATG-3'

ClinVar aggregate classification (germline): Pathogenic (1 of 4 stars; one submission).

Conditions:
Developmental and epileptic encephalopathy, 9 (DEE9). Also called: JUBERG-HELLMAN SYNDROME; PCDH19-Related X-Linked Female-Limited Epilepsy with Mental Retardation; EPILEPSY, FEMALE-RESTRICTED, WITH MENTAL RETARDATION; Early infantile epileptic encephalopathy 9. Identifiers: Orphanet 101039, Orphanet 2076, MedGen C1848137, MONDO:0010246, OMIM 300088. Disease mechanism: loss of function.

Submission:

Labcorp Genetics (formerly Invitae), Labcorp
Classification: Pathogenic for Developmental and epileptic encephalopathy, 9. Last evaluated: 2025-06-02. Review status: criteria provided, single submitter. Criteria: Invitae Variant Classification Sherloc (09022015). Collection method: clinical testing. Allele origin: germline.
Comment: This sequence change creates a premature translational stop signal (p.Asp481Thrfs*88) in the PCDH19 gene. It is expected to result in an absent or disrupted protein product. Loss-of-function variants in PCDH19 are known to be pathogenic (PMID: 21053371). This variant is not present in population databases (gnomAD no frequency). This variant has not been reported in the literature in individuals affected with PCDH19-related conditions. ClinVar contains an entry for this variant (Variation ID: 1412894). For these reasons, this variant has been classified as Pathogenic.

Literature cited by the submitters: PubMed 21053371.